The following is an entry in ClinVar:

ClinVar aggregate classification (germline): Uncertain significance (1 of 4 stars; one submission).

Conditions:
Cardiovascular phenotype. Identifiers: MedGen CN230736.

gnomAD v4.1: 5 of 1,613,770 alleles (0.00031%); highest among the groups gnomAD compares: Non-Finnish European, 0.00042%; no homozygotes.

Submission:

Ambry Genetics
Classification: Uncertain significance for Cardiovascular phenotype. Last evaluated: 2024-06-24. Review status: criteria provided, single submitter. Criteria: Ambry Variant Classification Scheme 2023. Collection method: clinical testing. Allele origin: germline.
Comment: The p.P871T variant (also known as c.2611C>A), located in coding exon 22 of the JAG1 gene, results from a C to A substitution at nucleotide position 2611. The proline at codon 871 is replaced by threonine, an amino acid with highly similar properties. This amino acid position is conserved. In addition, this alteration is predicted to be tolerated by in silico analysis. Based on the available evidence, the clinical significance of this variant remains unclear.

NM_000214.3(JAG1):c.2611C>A (p.Pro871Thr)

Gene: JAG1 (jagged canonical Notch ligand 1; minus strand). Cytogenetic location: 20p12.2.
Variant type: single nucleotide variant.
Coding change: c.2611C>A on transcript NM_000214.3 (MANE Select); coding-DNA position 2611, C replaced by A.
Protein change: p.Pro871Thr; replaces proline 871 with threonine.
Molecular consequence: missense variant.
Genome position (GRCh38, 1-based): chr20:10,641,854, G>T on the plus strand (C>A on the coding strand, the complement: JAG1 is on the minus strand). VCF-style: chr20-10641854-G-T. GRCh37 (hg19) VCF-style: chr20-10622502-G-T.
Other names: short protein forms P871T.
Identifiers: ClinVar variation 3287121 (VCV003287121.1).